The following is an entry in ClinVar:

NM_001041.4(SI):c.2350G>A (p.Ala784Thr)

Gene: SI (sucrase-isomaltase; minus strand). Cytogenetic location: 3q26.1.
Variant type: single nucleotide variant.
Coding change: c.2350G>A on transcript NM_001041.4 (MANE Select); coding-DNA position 2350, G replaced by A.
Protein change: p.Ala784Thr; replaces alanine 784 with threonine.
Molecular consequence: missense variant.
Genome position (GRCh38, 1-based): chr3:165,037,976, C>T on the plus strand (G>A on the coding strand, the complement: SI is on the minus strand). VCF-style: chr3-165037976-C-T. GRCh37 (hg19) VCF-style: chr3-164755764-C-T.
Other names: short protein forms A784T.
Identifiers: ClinVar variation 1360017 (VCV001360017.6), dbSNP rs2108213900, ClinGen allele CA355048473.

ClinVar aggregate classification (germline): Uncertain significance (1 of 4 stars; one submission).

Allele frequency attached by ClinVar (database versions not stated): gnomAD exomes below 0.00001.
gnomAD v4.1: 1 of 1,610,750 alleles (0.000062%); highest among the groups gnomAD compares: Non-Finnish European, 0.000085%; no homozygotes.

Submission:

Labcorp Genetics (formerly Invitae), Labcorp
Classification: Uncertain significance. Last evaluated: 2021-07-28. Review status: criteria provided, single submitter. Criteria: Invitae Variant Classification Sherloc (09022015). Collection method: clinical testing. Allele origin: germline.
Comment: Advanced modeling of protein sequence and biophysical properties (such as structural, functional, and spatial information, amino acid conservation, physicochemical variation, residue mobility, and thermodynamic stability) performed at Invitae indicates that this missense variant is not expected to disrupt SI protein function. This sequence change replaces alanine with threonine at codon 784 of the SI protein (p.Ala784Thr). The alanine residue is moderately conserved and there is a small physicochemical difference between alanine and threonine. This variant is not present in population databases (ExAC no frequency). This variant has not been reported in the literature in individuals affected with SI-related conditions. In summary, the available evidence is currently insufficient to determine the role of this variant in disease. Therefore, it has been classified as a Variant of Uncertain Significance.